The following is an entry in ClinVar:

NM_002772.3(TMPRSS15):c.1737_1739del (p.Val580del)

Gene: TMPRSS15 (transmembrane serine protease 15; minus strand). Cytogenetic location: 21q21.1.
Variant type: Deletion.
Coding change: c.1737_1739del on transcript NM_002772.3 (MANE Select); coding-DNA positions 1737 to 1739, 3 bases deleted (AGT; older notation c.1737_1739delAGT).
Protein change: p.Val580del; deletes valine 580.
Molecular consequence: inframe deletion.
Genome position (GRCh38, 1-based): chr21:18,329,210-18,329,212, ACT deleted on the plus strand (AGT on the coding strand, the reverse complement: TMPRSS15 is on the minus strand); deleting any 3 consecutive bases within chr21:18,329,210-18,329,214 gives the same sequence; the c. name uses the placement nearest the transcript's 3' end. VCF-style (leftmost placement, unchanged base first): chr21-18329209-AACT-A. GRCh37 (hg19) VCF-style: chr21-19701526-AACT-A.
Other names: short protein forms V580del.
Identifiers: ClinVar variation 2116519 (VCV002116519.2), dbSNP rs1254102812, ClinGen allele CA636793099.

ClinVar aggregate classification (germline): Uncertain significance (1 of 4 stars; one submission).

Submission:

Labcorp Genetics (formerly Invitae), Labcorp
Classification: Uncertain significance. Last evaluated: 2024-07-01. Review status: criteria provided, single submitter. Criteria: Invitae Variant Classification Sherloc (09022015). Collection method: clinical testing. Allele origin: germline.
Comment: This variant, c.1737_1739del, results in the deletion of 1 amino acid(s) of the TMPRSS15 protein (p.Val580del), but otherwise preserves the integrity of the reading frame. This variant is present in population databases (no rsID available, gnomAD 0.1%). This variant has not been reported in the literature in individuals affected with TMPRSS15-related conditions. ClinVar contains an entry for this variant (Variation ID: 2116519). Experimental studies and prediction algorithms are not available or were not evaluated, and the functional significance of this variant is currently unknown. In summary, the available evidence is currently insufficient to determine the role of this variant in disease. Therefore, it has been classified as a Variant of Uncertain Significance.